The following is an entry in ClinVar:

NM_015915.5(ATL1):c.1008T>G (p.Tyr336Ter)

Gene: ATL1 (atlastin GTPase 1; plus strand). Cytogenetic location: 14q22.1.
Variant type: single nucleotide variant.
Coding change: c.1008T>G on transcript NM_015915.5 (MANE Select); coding-DNA position 1008, T replaced by G.
Protein change: p.Tyr336Ter; replaces tyrosine 336 with a stop codon.
Molecular consequence: nonsense.
Genome position (GRCh38, 1-based): chr14:50,621,860, T>G. VCF-style: chr14-50621860-T-G. GRCh37 (hg19) VCF-style: chr14-51088578-T-G.
Other names: c.1008T>G, p.Tyr336Ter (NM_001127713.1, NM_181598.4); short protein forms Y336*.
Identifiers: ClinVar variation 3729603 (VCV003729603.2).

ClinVar aggregate classification (germline): Pathogenic (1 of 4 stars; one submission).

Conditions:
Hereditary spastic paraplegia 3A (SPG3A). Also called: SPASTIC PARAPLEGIA 3, AUTOSOMAL DOMINANT; FAMILIAL SPASTIC PARAPLEGIA, AUTOSOMAL DOMINANT, 1; SPG3; STRUMPELL DISEASE; Spastic Paraplegia 3A; Spastic paraplegia 3A, autosomal dominant. Identifiers: Orphanet 100984, MedGen C2931355, MONDO:0008437, OMIM 182600.

Submission:

Labcorp Genetics (formerly Invitae), Labcorp
Classification: Pathogenic for Hereditary spastic paraplegia 3A. Last evaluated: 2025-01-26. Review status: criteria provided, single submitter. Criteria: Invitae Variant Classification Sherloc (09022015). Collection method: clinical testing. Allele origin: germline.
Comment: This sequence change creates a premature translational stop signal (p.Tyr336*) in the ATL1 gene. It is expected to result in an absent or disrupted protein product. Loss-of-function variants in ATL1 are known to be pathogenic (PMID: 26888483). This variant is not present in population databases (gnomAD no frequency). This variant has not been reported in the literature in individuals affected with ATL1-related conditions. For these reasons, this variant has been classified as Pathogenic.

Literature cited by the submitters: PubMed 26888483.